The following is an entry in ClinVar:

NM_201596.3(CACNB2):c.177G>A (p.Thr59=)

Gene: CACNB2 (calcium voltage-gated channel auxiliary subunit beta 2; plus strand). Cytogenetic location: 10p12.33.
Variant type: single nucleotide variant.
Coding change: c.177G>A on transcript NM_201596.3 (MANE Select); coding-DNA position 177, G replaced by A.
Protein change: p.Thr59=; no amino-acid change (threonine 59 retained).
Molecular consequence: synonymous variant.
Genome position (GRCh38, 1-based): chr10:18,150,939, G>A. VCF-style: chr10-18150939-G-A. GRCh37 (hg19) VCF-style: chr10-18439868-G-A.
Other names: c.93G>A, p.Thr31= (NM_001167945.2, NM_201571.4, NM_201572.4); c.177G>A, p.Thr59= (NM_201593.3, NM_201597.3).
Identifiers: ClinVar variation 4980030 (VCV004980030.1).

ClinVar aggregate classification (germline): Likely benign (1 of 4 stars; one submission).

Conditions:
CACNB2-related disorder. Also called: CACNB2-related condition.

gnomAD v4.1: 56 of 1,548,342 alleles (0.0036%); highest among the groups gnomAD compares: African/African-American, 0.02%; no homozygotes.

Submission:

PreventionGenetics, part of Exact Sciences
Classification: Likely benign for CACNB2-related condition. Last evaluated: 2026-02-04. Review status: criteria provided, single submitter. Criteria: ACMG Guidelines, 2015. Collection method: clinical testing. Allele origin: germline.
Comment: This variant is classified as likely benign based on ACMG/AMP sequence variant interpretation guidelines (Richards et al. 2015 PMID: 25741868, with internal and published modifications).